The following is an entry in ClinVar:

NM_003900.5(SQSTM1):c.105_123dup (p.Gly42fs)

Gene: SQSTM1 (sequestosome 1; plus strand). Cytogenetic location: 5q35.3.
Variant type: Duplication.
Coding change: c.105_123dup on transcript NM_003900.5 (MANE Select); coding-DNA positions 105 to 123, 19 bases duplicated (CGAGGCTGCGGCGGGTCCG).
Protein change: p.Gly42fs; shifts the reading frame from glycine 42.
Molecular consequence: frameshift variant. On other transcripts: intron variant (2).
Genome position (GRCh38, 1-based): chr5:179,821,041-179,821,059, CGAGGCTGCGGCGGGTCCG duplicated. VCF-style (leftmost placement, unchanged base first): chr5-179821040-C-CCGAGGCTGCGGCGGGTCCG. GRCh37 (hg19) VCF-style: chr5-179248040-C-CCGAGGCTGCGGCGGGTCCG.
Other names: c.105_123dupCGAGGCTGCGGCGGGTCCG (NM_003900.4); c.-47-1917_-47-1899dup (NM_001142298.2, NM_001142299.2); short protein forms G42fs.
Identifiers: ClinVar variation 420909 (VCV000420909.3), dbSNP rs1064794783, ClinGen allele CA16618193.

ClinVar aggregate classification (germline): Likely pathogenic (1 of 4 stars; one submission).

Conditions:
SQSTM1-related disorder. Also called: SQSTM1-Related Disorders.

Allele frequency attached by ClinVar (database versions not stated): gnomAD exomes below 0.00001.

Submission:

GeneDx
Classification: Likely pathogenic. Last evaluated: 2016-04-05. Review status: criteria provided, single submitter. Criteria: GeneDx Variant Classification (06012015). Collection method: clinical testing. Allele origin: germline. Affected: yes.
Comment: The c.105_123dup19 variant in the SQSTM1 gene has not been reported previously as a pathogenic variant nor as a benign variant, to our knowledge. The c.105_123dup19 variant causes a frameshift starting with codon Glycine 42, changes this amino acid to an Arginine residue, and creates a premature Stop codon at position 35 of the new reading frame, denoted p.Gly42ArgfsX35. This variant is predicted to cause loss of normal protein function either through protein truncation or nonsense-mediated mRNA decay. The c.105_123dup19 variant was not observed in approximately 5,200 individuals of European and African American ancestry in the NHLBI Exome Sequencing Project, indicating it is not a common benign variant in these populations. The c.105_123dup19 variant is a strong candidate for a pathogenic variant, however the possibility it may be a rare benign variant cannot be excluded.